The following is an entry in ClinVar:

ClinVar aggregate classification (germline): Uncertain significance (1 of 4 stars; one submission).

Allele frequency attached by ClinVar (database versions not stated): TOPMed below 0.00001; gnomAD 0.00001; gnomAD exomes 0.00001; ExAC 0.00002.
gnomAD v4.1: 15 of 1,613,170 alleles (0.00093%); highest among the groups gnomAD compares: Non-Finnish European, 0.001%; no homozygotes.

Submission:

Labcorp Genetics (formerly Invitae), Labcorp
Classification: Uncertain significance. Last evaluated: 2024-10-15. Review status: criteria provided, single submitter. Criteria: Invitae Variant Classification Sherloc (09022015). Collection method: clinical testing. Allele origin: germline.
Comment: This sequence change replaces arginine, which is basic and polar, with serine, which is neutral and polar, at codon 180 of the TIMMDC1 protein (p.Arg180Ser). This variant is present in population databases (rs757622339, gnomAD 0.004%). This variant has not been reported in the literature in individuals affected with TIMMDC1-related conditions. ClinVar contains an entry for this variant (Variation ID: 2054312). Invitae Evidence Modeling of protein sequence and biophysical properties (such as structural, functional, and spatial information, amino acid conservation, physicochemical variation, residue mobility, and thermodynamic stability) indicates that this missense variant is expected to disrupt TIMMDC1 protein function with a positive predictive value of 80%. In summary, the available evidence is currently insufficient to determine the role of this variant in disease. Therefore, it has been classified as a Variant of Uncertain Significance.

NM_016589.4(TIMMDC1):c.540G>T (p.Arg180Ser)

Gene: TIMMDC1 (translocase of inner mitochondrial membrane domain containing 1; plus strand). Cytogenetic location: 3q13.33.
Variant type: single nucleotide variant.
Coding change: c.540G>T on transcript NM_016589.4 (MANE Select); coding-DNA position 540, G replaced by T.
Protein change: p.Arg180Ser; replaces arginine 180 with serine.
Molecular consequence: missense variant.
Genome position (GRCh38, 1-based): chr3:119,513,663, G>T. VCF-style: chr3-119513663-G-T. GRCh37 (hg19) VCF-style: chr3-119232510-G-T.
Other names: short protein forms R180S.
Identifiers: ClinVar variation 2054312 (VCV002054312.4), dbSNP rs757622339, ClinGen allele CA2555279.
Genomic context (GRCh38, chr3:119,513,663, plus strand): 5'-AAAGATGATTTAATATTGCCTTTCTTGTTTTTAAATAGCTGTCACGGGAAGTCTTTTTAG[G>T]ATAAACGTAGGCCTGCGTGGCCTGGTGGCTGGTGGCATAATTGGAGCCTTGCTGGGGTAA-3'
Protein context (NP_057673.2, residues 170-190): IAGAVTGSLF[Arg180Ser]INVGLRGLVA